The following is an entry in ClinVar:

NM_000081.4(LYST):c.6866C>G (p.Thr2289Ser)

Gene: LYST (lysosomal trafficking regulator; minus strand). Cytogenetic location: 1q42.3.
Variant type: single nucleotide variant.
Coding change: c.6866C>G on transcript NM_000081.4 (MANE Select); coding-DNA position 6866, C replaced by G.
Protein change: p.Thr2289Ser; replaces threonine 2289 with serine.
Molecular consequence: missense variant.
Genome position (GRCh38, 1-based): chr1:235,758,987, G>C on the plus strand (C>G on the coding strand, the complement: LYST is on the minus strand). VCF-style: chr1-235758987-G-C. GRCh37 (hg19) VCF-style: chr1-235922287-G-C.
Other names: c.6866C>G, p.Thr2289Ser (NM_001301365.1); c.6866C>G (NM_000081.2, NM_000081.3); short protein forms T2289S.
Identifiers: ClinVar variation 1037977 (VCV001037977.6), dbSNP rs745989710, ClinGen allele CA1466289.
Genomic context (GRCh38, chr1:235,758,987, plus strand): 5'-ATAGTAAAATAAAGGTGGGAGGAGTGTACAAAAACACATAAGTACCTGTGAGCACTTGCA[G>C]TTCGGTTGTAATTTGGCTCATAACCAAGAGAATAGGCAAAGTTTTCCCAATCATCAGTGT-3'
Protein context (NP_000072.2, residues 2279-2299): SLGYEPNYNR[Thr2289Ser]ASAHSVTEDC

ClinVar aggregate classification (germline): Uncertain significance. Review status: criteria provided, multiple submitters, no conflicts (2 of 4 stars). 3 submissions from 3 submitters: Uncertain significance (3). Last evaluated 2024-08-27.

Conditions:
Chédiak-Higashi syndrome (CHS). Also called: Chediak-Higashi Syndrome. Identifiers: Orphanet 167, MedGen C0007965, MONDO:0008963, OMIM 214500.
Inborn genetic diseases. Identifiers: MedGen C0950123, MeSH D030342.

Allele frequency attached by ClinVar (database versions not stated): ExAC 0.00001; gnomAD 0.00001; TOPMed 0.00001.
gnomAD v4.1: 76 of 1,613,916 alleles (0.0047%); highest among the groups gnomAD compares: Non-Finnish European, 0.0063%; no homozygotes.

Submissions (3):

Ambry Genetics
Classification: Uncertain significance for Inborn genetic diseases. Last evaluated: 2024-08-27. Review status: criteria provided, single submitter. Criteria: Ambry Variant Classification Scheme 2023. Collection method: clinical testing. Allele origin: germline.

Labcorp Genetics (formerly Invitae), Labcorp
Classification: Uncertain significance for Chédiak-Higashi syndrome. Last evaluated: 2022-05-17. Review status: criteria provided, single submitter. Criteria: Invitae Variant Classification Sherloc (09022015). Collection method: clinical testing. Allele origin: germline.
Comment: This sequence change replaces threonine, which is neutral and polar, with serine, which is neutral and polar, at codon 2289 of the LYST protein (p.Thr2289Ser). This variant is present in population databases (rs745989710, gnomAD 0.002%). This variant has not been reported in the literature in individuals affected with LYST-related conditions. ClinVar contains an entry for this variant (Variation ID: 1037977). Algorithms developed to predict the effect of missense changes on protein structure and function output the following: SIFT: "Tolerated"; PolyPhen-2: "Benign"; Align-GVGD: "Class C0". The serine amino acid residue is found in multiple mammalian species, which suggests that this missense change does not adversely affect protein function. In summary, the available evidence is currently insufficient to determine the role of this variant in disease. Therefore, it has been classified as a Variant of Uncertain Significance.

Revvity Omics, Revvity
Classification: Uncertain significance for Chédiak-Higashi syndrome. Last evaluated: 2019-09-13. Review status: criteria provided, single submitter. Criteria: ACMG Guidelines, 2015. Collection method: clinical testing. Allele origin: germline.